The following is an entry in ClinVar:

ClinVar aggregate classification (germline): Conflicting classifications of pathogenicity. Review status: criteria provided, conflicting classifications (1 of 4 stars). 6 submissions from 6 submitters: Pathogenic (2); Likely pathogenic (1); Uncertain significance (3). Last evaluated 2026-01-24.

Conditions:
SNRNP200-related disorder. Also called: SNRNP200-related condition.
Retinal dystrophy. Also called: Inherited retinal dystrophy. Identifiers: Orphanet 71862, MedGen C0854723, MeSH D058499, MONDO:0019118, HP:0000556.
SNRNP200-related retinal disorder.
Retinitis pigmentosa 33 (RP33). Identifiers: Orphanet 791, MedGen C1835895, MONDO:0012477, OMIM 610359.

Allele frequency attached by ClinVar (database versions not stated): ESP Exome Variant Server 0.00008; gnomAD exomes 0.00008 and 0.00003; TOPMed 0.00008; gnomAD 0.00009 and 0.00010; ExAC 0.00004.

Submissions (6):

Labcorp Genetics (formerly Invitae), Labcorp
Classification: Pathogenic. Last evaluated: 2026-01-24. Review status: criteria provided, single submitter. Criteria: Invitae Variant Classification Sherloc (09022015). Collection method: clinical testing. Allele origin: germline.
Comment: This sequence change replaces arginine, which is basic and polar, with cysteine, which is neutral and slightly polar, at codon 598 of the SNRNP200 protein (p.Arg598Cys). This variant is present in population databases (rs367922991, gnomAD 0.006%). This missense change has been observed in individuals with clinical features of autosomal recessive inherited retinal dystrophy (PMID: 32037395, 33429167; internal data). This variant has been reported in individual(s) with clinical features of autosomal dominant inherited retinal dystrophy (internal data); however, the role of the variant in this condition is currently unclear. ClinVar contains an entry for this variant (Variation ID: 839536). Invitae Evidence Modeling of protein sequence and biophysical properties (such as structural, functional, and spatial information, amino acid conservation, physicochemical variation, residue mobility, and thermodynamic stability) indicates that this missense variant is expected to disrupt SNRNP200 protein function with a positive predictive value of 95%. For these reasons, this variant has been classified as Pathogenic.

PreventionGenetics, part of Exact Sciences
Classification: Uncertain significance for SNRNP200-related condition. Last evaluated: 2025-09-12. Review status: criteria provided, single submitter. Criteria: ACMG Guidelines, 2015. Collection method: clinical testing. Allele origin: germline.
Comment: The SNRNP200 c.1792C>T variant is predicted to result in the amino acid substitution p.Arg598Cys. This variant has been reported in the homozygous state in an individual with retinal disease (Table S2, Zampaglione et al. 2020. PubMed ID: 32037395), and in the compound heterozygous state in an individual with rod-cone dystrophy (Zhang et al. 2021. PubMed ID: 33429167). This variant is present in 0.0062% of alleles in individuals of European (Non-Finnish) descent in gnomAD. Although we suspect that this variant may be pathogenic for autosomal recessive disease, at this time, the clinical significance of this variant is uncertain due to the absence of conclusive functional and genetic evidence.

3billion
Classification: Uncertain significance for SNRNP200-related retinal disorder. Last evaluated: 2024-10-29. Review status: criteria provided, single submitter. Criteria: ACMG Guidelines, 2015. Collection method: clinical testing. Allele origin: germline. Affected: yes.
Comment: The variant is observed at an extremely low frequency in the gnomAD v4.1.0 dataset (total allele frequency: 0.008%). Predicted Consequence/Location: Missense variant. Missense changes are a common disease-causing mechanism. In silico tool predictions suggest damaging effect of the variant on gene or gene product [REVEL: 0.64 (>=0.6, sensitivity 0.68 and specificity 0.92); 3Cnet: 0.89 (>=0.6, sensitivity 0.72 and precision 0.9)]. The same nucleotide change resulting in the same amino acid change has been previously reported to be associated with SNRNP200 related disorder (ClinVar ID: VCV000839536 /PMID: 32037395). However, the evidence of pathogenicity is insufficient at this time. Therefore, this variant is classified as VUS according to the recommendation of ACMG/AMP guideline.

Blueprint Genetics
Classification: Pathogenic for SNRNP200-related disorders. Last evaluated: 2021-08-23. Review status: criteria provided, single submitter. Criteria: ACMG Guidelines, 2015. Collection method: clinical testing. Allele origin: germline. Affected: yes. Observed: 5 variant alleles.

Victorian Clinical Genetics Services, Murdoch Childrens Research Institute
Classification: Uncertain significance for Retinitis pigmentosa 33. Last evaluated: 2020-07-02. Review status: criteria provided, single submitter. Criteria: ACMG Guidelines, 2015. Collection method: clinical testing. Allele origin: germline. Affected: yes.
Comment: Based on the classification scheme VCGS_Germline_v1.1.1, this variant is classified as 3B-VUS. Following criteria are met: 0105 - The mechanism of disease for this gene is not clearly established. (N) 0108 - This gene is known to be associated with both recessive and dominant disease. However, no clear genotype-phenotype correlation has been established. (N) 0200 - Variant is predicted to result in a missense amino acid change from arginine to cysteine (exon 14). (N) 0251 - Variant is heterozygous. (N) 0304 - Variant is present in gnomAD <0.01 for a recessive condition (14 heterozygotes, 0 homozygotes). (P) 0309 - Alternative amino acid changes at the same position has been observed in gnomAD (2 heterozygotes, 0 homozygotes). (N) 0501 - Missense variant consistently predicted to be damaging by multiple in silico tools or highly conserved with a major amino acid change. (P) 0600 - Variant is located in an annotated domain or motif (Helicase_A domain; PDB). (N) 0705 - No comparable variants have previous evidence for pathogenicity. (N) 0804 - Variant is in the population at low frequency and has previously been described as variant of uncertain significance in multiple independent cases with consistent phenotype (ClinVar). (N) 0905 - No segregation evidence has been identified for this variant. (N) 1007 - No published functional evidence has been identified for this variant. (N) 1208 - Inheritance information for this variant is not currently available. (N) Legend: (P) - Pathogenic, (N) - Neutral, (B) - Benign

Institute of Human Genetics, Univ. Regensburg, Univ. Regensburg
Classification: Likely pathogenic for Retinal dystrophy. Last evaluated: 2019-01-01. Review status: criteria provided, single submitter. Criteria: ACMG Guidelines, 2015. Collection method: clinical testing. Allele origin: germline. Affected: yes.

Literature cited by the submitters: PubMed 32037395 (cited by 3 submitters); PubMed 33429167 (cited by Labcorp Genetics (formerly Invitae), Labcorp); PubMed 3342916 (cited by Institute of Human Genetics, Univ. Regensburg, Univ. Regensburg).

NM_014014.5(SNRNP200):c.1792C>T (p.Arg598Cys)

Gene: SNRNP200 (small nuclear ribonucleoprotein U5 subunit 200; minus strand). Cytogenetic location: 2q11.2.
Variant type: single nucleotide variant.
Coding change: c.1792C>T on transcript NM_014014.5 (MANE Select); coding-DNA position 1792, C replaced by T.
Protein change: p.Arg598Cys; replaces arginine 598 with cysteine.
Molecular consequence: missense variant.
Genome position (GRCh38, 1-based): chr2:96,295,538, G>A on the plus strand (C>T on the coding strand, the complement: SNRNP200 is on the minus strand). VCF-style: chr2-96295538-G-A. GRCh37 (hg19) VCF-style: chr2-96961276-G-A.
Other names: short protein forms R598C.
Identifiers: ClinVar variation 839536 (VCV000839536.14), dbSNP rs367922991, ClinGen allele CA1778847.